The following is an entry in ClinVar:

ClinVar aggregate classification (germline): Uncertain significance (1 of 4 stars; one submission).

Conditions:
Myopathy, tubular aggregate, 2 (TAM2). Identifiers: MedGen C4014557, MONDO:0014383, OMIM 615883.
Combined immunodeficiency due to ORAI1 deficiency. Also called: IMMUNODEFICIENCY 9. Identifiers: Orphanet 169090, Orphanet 317428, MedGen C2748568, MONDO:0013007, OMIM 612782.

Allele frequency attached by ClinVar (database versions not stated): gnomAD 0.00001; TOPMed below 0.00001; gnomAD exomes 0.00002; ExAC 0.00003.

Submission:

Labcorp Genetics (formerly Invitae), Labcorp
Classification: Uncertain significance for Myopathy, tubular aggregate, 2; Combined immunodeficiency due to ORAI1 deficiency. Last evaluated: 2025-04-13. Review status: criteria provided, single submitter. Criteria: Invitae Variant Classification Sherloc (09022015). Collection method: clinical testing. Allele origin: germline.
Comment: This sequence change replaces aspartic acid, which is acidic and polar, with asparagine, which is neutral and polar, at codon 114 of the ORAI1 protein (p.Asp114Asn). This variant is present in population databases (rs782316353, gnomAD 0.008%). This variant has not been reported in the literature in individuals affected with ORAI1-related conditions. ClinVar contains an entry for this variant (Variation ID: 851852). Algorithms developed to predict the effect of variants on gene product structure and function are not available or were not evaluated for this variant. Experimental studies have shown that this missense change does not substantially affect ORAI1 function (PMID: 26576490). In summary, the available evidence is currently insufficient to determine the role of this variant in disease. Therefore, it has been classified as a Variant of Uncertain Significance.

Literature cited by the submitters: PubMed 26576490.

NC_000012.12:g.121641077G>A

Gene: ORAI1 (ORAI calcium release-activated calcium modulator 1; plus strand). Cytogenetic location: 12q24.31.
Variant type: single nucleotide variant.
Genome position: GRCh38 VCF-style: chr12-121641077-G-A. GRCh37 (hg19) VCF-style: chr12-122078983-G-A.
Other names: c.340G>A, p.Asp114Asn (NM_032790.4); short protein forms D114N.
Identifiers: ClinVar variation 851852 (VCV000851852.10), dbSNP rs782316353, ClinGen allele CA6837475.